The following is an entry in ClinVar:

NM_000481.4(AMT):c.1157T>C (p.Met386Thr)

Gene: AMT (aminomethyltransferase; minus strand). Cytogenetic location: 3p21.31.
Variant type: single nucleotide variant.
Coding change: c.1157T>C on transcript NM_000481.4 (MANE Select); coding-DNA position 1157, T replaced by C.
Protein change: p.Met386Thr; replaces methionine 386 with threonine.
Molecular consequence: missense variant. On other transcripts: non-coding transcript variant (1), intron variant (1).
Genome position (GRCh38, 1-based): chr3:49,417,595, A>G on the plus strand (T>C on the coding strand, the complement: AMT is on the minus strand). VCF-style: chr3-49417595-A-G. GRCh37 (hg19) VCF-style: chr3-49455028-A-G.
Other names: c.1025T>C, p.Met342Thr (NM_001164710.2); c.989T>C, p.Met330Thr (NM_001164711.2); c.1137+20T>C (NM_001164712.2); short protein forms M386T, M330T, M342T.
Identifiers: ClinVar variation 531766 (VCV000531766.10), dbSNP rs757170367, ClinGen allele CA2398130.

ClinVar aggregate classification (germline): Uncertain significance. Review status: criteria provided, multiple submitters, no conflicts (2 of 4 stars). 3 submissions from 3 submitters: Uncertain significance (2). 1 of the submissions does not count toward it. Last evaluated 2025-10-27.

Conditions:
Inborn genetic diseases. Identifiers: MedGen C0950123, MeSH D030342.
Glycine encephalopathy. Also called: Non-ketotic hyperglycinemia; Nonketotic hyperglycinemia. Identifiers: Orphanet 407, MedGen C0751748, MONDO:0011612, HP:0008288.

Allele frequency attached by ClinVar (database versions not stated): gnomAD 0.00001; gnomAD exomes 0.00001 and 0.00007; TOPMed 0.00004; ExAC 0.00008.

Submissions (3):

Labcorp Genetics (formerly Invitae), Labcorp
Classification: Uncertain significance for Glycine encephalopathy. Last evaluated: 2025-10-27. Review status: criteria provided, single submitter. Criteria: Invitae Variant Classification Sherloc (09022015). Collection method: clinical testing. Allele origin: germline.
Comment: This sequence change replaces methionine, which is neutral and non-polar, with threonine, which is neutral and polar, at codon 386 of the AMT protein (p.Met386Thr). This variant is present in population databases (rs757170367, gnomAD 0.04%). This variant has not been reported in the literature in individuals affected with AMT-related conditions. ClinVar contains an entry for this variant (Variation ID: 531766). Invitae Evidence Modeling of protein sequence and biophysical properties (such as structural, functional, and spatial information, amino acid conservation, physicochemical variation, residue mobility, and thermodynamic stability) indicates that this missense variant is not expected to disrupt AMT protein function with a negative predictive value of 95%. In summary, the available evidence is currently insufficient to determine the role of this variant in disease. Therefore, it has been classified as a Variant of Uncertain Significance.

Ambry Genetics
Classification: Uncertain significance for Inborn genetic diseases. Last evaluated: 2025-07-02. Review status: criteria provided, single submitter. Criteria: Ambry Variant Classification Scheme 2023. Collection method: clinical testing. Allele origin: germline.

Natera, Inc.
Classification: Uncertain significance for Non-ketotic hyperglycinemia. Last evaluated: 2019-10-28. Review status: no assertion criteria provided. Collection method: clinical testing. Allele origin: germline. Not counted in ClinVar's aggregate classification.